The following is an entry in ClinVar:

NM_003024.3(ITSN1):c.2792A>G (p.His931Arg)

Gene: ITSN1 (intersectin 1; plus strand). Cytogenetic location: 21q22.11.
Variant type: single nucleotide variant.
Coding change: c.2792A>G on transcript NM_003024.3 (MANE Select); coding-DNA position 2792, A replaced by G.
Protein change: p.His931Arg; replaces histidine 931 with arginine.
Molecular consequence: missense variant.
Genome position (GRCh38, 1-based): chr21:33,818,331, A>G. VCF-style: chr21-33818331-A-G. GRCh37 (hg19) VCF-style: chr21-35190635-A-G.
Other names: c.2792A>G, p.His931Arg (NM_001001132.2, NM_001331008.2); c.2777A>G, p.His926Arg (NM_001331009.2, NM_001331010.2, NM_001331011.2); c.2666A>G, p.His889Arg (NM_001331012.2); short protein forms H889R, H926R, H931R.
Identifiers: ClinVar variation 2628814 (VCV002628814.1), dbSNP rs1441912954, ClinGen allele CA410143775.

ClinVar aggregate classification (germline): Uncertain significance (1 of 4 stars; one submission).

Conditions:
ITSN1-related disorder. Also called: ITSN1-related condition.

Allele frequency attached by ClinVar (database versions not stated): gnomAD exomes below 0.00001; TOPMed below 0.00001; gnomAD 0.00001.
gnomAD v4.1: 3 of 1,614,088 alleles (0.00019%); highest among the groups gnomAD compares: Admixed American, 0.0033%; no homozygotes.

Submission:

PreventionGenetics, part of Exact Sciences
Classification: Uncertain significance for ITSN1-related condition. Last evaluated: 2023-09-19. Review status: criteria provided, single submitter. Criteria: ACMG Guidelines, 2015. Collection method: clinical testing. Allele origin: germline.
Comment: The ITSN1 c.2792A>G variant is predicted to result in the amino acid substitution p.His931Arg. To our knowledge, this variant has not been reported in the literature. This variant is reported in 0.0029% of alleles in individuals of Latino descent in gnomAD. At this time, the clinical significance of this variant is uncertain due to the absence of conclusive functional and genetic evidence.